The following is an entry in ClinVar:

NM_001267550.2(TTN):c.102628A>G (p.Lys34210Glu)

Genes: TTN (titin; minus strand), TTN-AS1 (TTN antisense RNA 1; plus strand). Cytogenetic location: 2q31.2.
Variant type: single nucleotide variant.
Coding change: c.102628A>G on transcript NM_001267550.2 (MANE Select); coding-DNA position 102628, A replaced by G.
Protein change: p.Lys34210Glu; replaces lysine 34210 with glutamic acid.
Molecular consequence: missense variant.
Genome position (GRCh38, 1-based): chr2:178,533,987, T>C on the plus strand (A>G on the coding strand, the complement: TTN is on the minus strand). VCF-style: chr2-178533987-T-C. GRCh37 (hg19) VCF-style: chr2-179398714-T-C.
Other names: c.97705A>G, p.Lys32569Glu (NM_001256850.1); c.75433A>G, p.Lys25145Glu (NM_003319.4); c.94924A>G, p.Lys31642Glu (NM_133378.4); c.75808A>G, p.Lys25270Glu (NM_133432.3); c.76009A>G, p.Lys25337Glu (NM_133437.4); c.102628A>G (NM_001267550.1); short protein forms K25145E, K31642E, K34210E, K25337E, K32569E, K25270E.
Identifiers: ClinVar variation 949369 (VCV000949369.9), dbSNP rs1690321634, ClinGen allele CA349417114.
Genomic context (GRCh38, chr2:178,533,987, plus strand): 5'-TCACACCTTTAACAAATAGCTCTGCATAAGAACTGTCTTCACCATAGTCATTGACTACTT[T>C]GCATCTGTAGGTACCATCATCTAATTTGGTAATGTCTTTGACATAGAGGATGGCCACTCC-3'
Protein context (NP_001254479.2, residues 34200-34220): TKLDDGTYRC[Lys34210Glu]VVNDYGEDSS

ClinVar aggregate classification (germline): Uncertain significance. Review status: criteria provided, multiple submitters, no conflicts (2 of 4 stars). 2 submissions from 2 submitters: Uncertain significance (2). Last evaluated 2025-02-26.

Conditions:
Autosomal recessive limb-girdle muscular dystrophy type 2J (LGMDR10). Also called: Limb-girdle muscular dystrophy, type 2J; MUSCULAR DYSTROPHY, LIMB-GIRDLE, AUTOSOMAL RECESSIVE 10. Identifiers: Orphanet 140922, MedGen C1837342, MONDO:0012127, OMIM 608807.
Dilated cardiomyopathy 1G (CMD1G). Identifiers: Orphanet 154, MedGen C1858763, MONDO:0011400, OMIM 604145.

Allele frequency attached by ClinVar (database versions not stated): TOPMed below 0.00001.

Submissions (2):

GeneDx
Classification: Uncertain significance. Last evaluated: 2025-02-26. Review status: criteria provided, single submitter. Criteria: GeneDx Variant Classification Process June 2021. Collection method: clinical testing. Allele origin: germline. Affected: yes.
Comment: Not observed at significant frequency in large population cohorts (gnomAD); Missense variant in a gene in which most reported pathogenic variants are truncating/loss of function; Has not been previously published as pathogenic or benign to our knowledge

Labcorp Genetics (formerly Invitae), Labcorp
Classification: Uncertain significance for Dilated cardiomyopathy 1G; Autosomal recessive limb-girdle muscular dystrophy type 2J. Last evaluated: 2019-07-09. Review status: criteria provided, single submitter. Criteria: Invitae Variant Classification Sherloc (09022015). Collection method: clinical testing. Allele origin: germline.
Comment: This sequence change replaces lysine with glutamic acid at codon 34210 of the TTN protein (p.Lys34210Glu). There is a small physicochemical difference between lysine and glutamic acid. This variant is not present in population databases (ExAC no frequency). This variant has not been reported in the literature in individuals with TTN-related conditions. In summary, the available evidence is currently insufficient to determine the role of this variant in disease. Therefore, it has been classified as a Variant of Uncertain Significance. This variant is located in the M band of TTN (PMID: 25589632). Variants in this region may be relevant for neuromuscular disorders, but have not been definitively shown to cause cardiomyopathy (PMID: 23975875). Algorithms developed to predict the effect of missense changes on protein structure and function are unavailable for the TTN gene.

Literature cited by the submitters: PubMed 25589632 (cited by Labcorp Genetics (formerly Invitae), Labcorp); PubMed 23975875 (cited by Labcorp Genetics (formerly Invitae), Labcorp).